The following is an entry in ClinVar:

ClinVar aggregate classification (germline): Uncertain significance. Review status: criteria provided, multiple submitters, no conflicts (2 of 4 stars). 2 submissions from 2 submitters: Uncertain significance (2). Last evaluated 2025-12-22.

Conditions:
Mitochondrial trifunctional protein deficiency. Identifiers: Orphanet 746, MedGen C1969443, MONDO:0012172.

Allele frequency attached by ClinVar (database versions not stated): gnomAD exomes below 0.00001 and 0.00003; gnomAD 0.00002; TOPMed 0.00002; ExAC 0.00001; ESP Exome Variant Server 0.00008.

Submissions (2):

Labcorp Genetics (formerly Invitae), Labcorp
Classification: Uncertain significance for Mitochondrial trifunctional protein deficiency. Last evaluated: 2025-12-22. Review status: criteria provided, single submitter. Criteria: Invitae Variant Classification Sherloc (09022015). Collection method: clinical testing. Allele origin: germline.
Comment: This sequence change replaces arginine, which is basic and polar, with cysteine, which is neutral and slightly polar, at codon 282 of the HADHB protein (p.Arg282Cys). This variant is present in population databases (rs374979465, gnomAD 0.0009%). This variant has not been reported in the literature in individuals affected with HADHB-related conditions. ClinVar contains an entry for this variant (Variation ID: 92601). Invitae Evidence Modeling of protein sequence and biophysical properties (such as structural, functional, and spatial information, amino acid conservation, physicochemical variation, residue mobility, and thermodynamic stability) indicates that this missense variant is expected to disrupt HADHB protein function with a positive predictive value of 80%. In summary, the available evidence is currently insufficient to determine the role of this variant in disease. Therefore, it has been classified as a Variant of Uncertain Significance.

Eurofins Ntd Llc (ga)
Classification: Uncertain significance. Last evaluated: 2014-06-12. Review status: criteria provided, single submitter. Criteria: EGL Classification Definitions 2015. Collection method: clinical testing. Allele origin: germline. Observed: 2 variant alleles, 2 heterozygotes.

NM_000183.3(HADHB):c.844C>T (p.Arg282Cys)

Gene: HADHB (hydroxyacyl-CoA dehydrogenase trifunctional multienzyme complex subunit beta; plus strand). Cytogenetic location: 2p23.3.
Variant type: single nucleotide variant.
Coding change: c.844C>T on transcript NM_000183.3 (MANE Select); coding-DNA position 844, C replaced by T.
Protein change: p.Arg282Cys; replaces arginine 282 with cysteine.
Molecular consequence: missense variant.
Genome position (GRCh38, 1-based): chr2:26,280,026, C>T. VCF-style: chr2-26280026-C-T. GRCh37 (hg19) VCF-style: chr2-26502894-C-T.
Other names: c.799C>T, p.Arg267Cys (NM_001281512.2); c.778C>T, p.Arg260Cys (NM_001281513.2); short protein forms R282C, R260C, R267C.
Identifiers: ClinVar variation 92601 (VCV000092601.8), dbSNP rs374979465, ClinGen allele CA220474.
Genomic context (GRCh38, chr2:26,280,026, plus strand): 5'-GAGTTAAAAAAATTCATTTTTTTAATAGGAAAAGATACAGTTACCAAAGATAATGGCATC[C>T]GTCCTTCCTCACTGGAGCAGATGGCCAAACTAAAACCTGCATTCATCAAGCCCTACGGCA-3'
Protein context (NP_000174.1, residues 272-292): KDTVTKDNGI[Arg282Cys]PSSLEQMAKL